The following is an entry in ClinVar:

ClinVar aggregate classification (germline): Pathogenic. Review status: reviewed by expert panel (3 of 4 stars). 8 submissions from 8 submitters: Pathogenic (1). 7 of the submissions do not count toward it. Last evaluated 2016-09-08.

Conditions:
Breast and/or ovarian cancer. Identifiers: MedGen CN221562.
Hereditary cancer-predisposing syndrome. Also called: Hereditary Cancer Syndrome; Hereditary neoplastic syndrome; Neoplastic Syndromes, Hereditary; Tumor predisposition. Identifiers: Orphanet 140162, MedGen C0027672, MeSH D009386, MONDO:0015356.
Breast-ovarian cancer, familial, susceptibility to, 1 (BROVCA1). Also called: BRCA1 Hereditary Breast and Ovarian Cancer; OVARIAN CANCER, SUSCEPTIBILITY TO. Identifiers: Orphanet 145, MedGen C2676676, MONDO:0011450, OMIM 604370. Disease mechanism: loss of function.

Submissions (8):

Evidence-based Network for the Interpretation of Germline Mutant Alleles (ENIGMA)
Classification: Pathogenic for Breast-ovarian cancer, familial, susceptibility to, 1. Last evaluated: 2016-09-08. Review status: reviewed by expert panel. Criteria: ENIGMA BRCA1/2 Classification Criteria (2015). Collection method: curation. Allele origin: germline.
Comment: Variant allele predicted to encode a truncated non-functional protein.

Molecular Pathology, Peter Maccallum Cancer Centre
Classification: Pathogenic for Breast-ovarian cancer, familial, susceptibility to, 1. Last evaluated: 2024-03-06. Review status: criteria provided, single submitter. Criteria: ACMG Guidelines, 2015. Collection method: clinical testing. Allele origin: germline. Inheritance: Autosomal dominant inheritance. Not counted in ClinVar's aggregate classification.

Color Diagnostics, LLC DBA Color Health
Classification: Pathogenic for Hereditary cancer-predisposing syndrome. Last evaluated: 2023-06-20. Review status: criteria provided, single submitter. Criteria: ACMG Guidelines, 2015. Collection method: clinical testing. Allele origin: germline. Not counted in ClinVar's aggregate classification.
Comment: This variant deletes 2 nucleotides in exon 18 of the BRCA1 gene, creating a frameshift and premature translation stop signal. This variant is expected to result in an absent or non-functional protein product. This variant has been detected in at least one individual each affected with breast cancer or ovarian cancer (PMID: 28145423, 36537080) and in several suspected hereditary breast and ovarian cancer families (PMID: 16683254, 29446198, 29483665, 31409081). This variant has not been identified in the general population by the Genome Aggregation Database (gnomAD). Loss of BRCA1 function is a known mechanism of disease. Based on the available evidence, this variant is classified as Pathogenic.

Consortium of Investigators of Modifiers of BRCA1/2 (CIMBA), c/o University of Cambridge
Classification: Pathogenic for Breast-ovarian cancer, familial, susceptibility to, 1. Last evaluated: 2015-10-02. Review status: criteria provided, single submitter. Criteria: CIMBA Mutation Classification guidelines May 2016. Collection method: clinical testing. Allele origin: germline. Not counted in ClinVar's aggregate classification.

Clinical Genetics DNA and cytogenetics Diagnostics Lab, Erasmus MC, Erasmus Medical Center
Classification: Pathogenic for Breast-ovarian cancer, familial, susceptibility to, 1. Last evaluated: 2015-09-21. Review status: criteria provided, single submitter. Criteria: ACGS Guidelines, 2013. Collection method: clinical testing. Allele origin: germline. Affected: yes. Study: VKGL Data-share Consensus. Not counted in ClinVar's aggregate classification.

CZECANCA consortium
Classification: Pathogenic for Breast and/or ovarian cancer. Last evaluated: 2019-06-11. Review status: no assertion criteria provided. Collection method: clinical testing. Allele origin: germline. Affected: yes. Observed: 1 variant allele. Not counted in ClinVar's aggregate classification.

Breast Cancer Information Core (BIC) (BRCA1)
Classification: Pathogenic for Breast-ovarian cancer, familial 1. Last evaluated: 1999-12-30. Review status: no assertion criteria provided. Collection method: clinical testing. Allele origin: germline. Affected: yes. Observed: 1 variant allele. Not counted in ClinVar's aggregate classification.

Diagnostic Laboratory, Department of Genetics, University Medical Center Groningen
Classification: Pathogenic for Breast-ovarian cancer, familial, susceptibility to, 1. Review status: no assertion criteria provided. Collection method: clinical testing. Allele origin: germline. Affected: yes. Study: VKGL Data-share Consensus. Not counted in ClinVar's aggregate classification.

Literature cited by the submitters: PubMed 16683254 (cited by Color Diagnostics, LLC DBA Color Health); PubMed 28145423 (cited by Color Diagnostics, LLC DBA Color Health); PubMed 29446198 (cited by Color Diagnostics, LLC DBA Color Health); PubMed 29483665 (cited by Color Diagnostics, LLC DBA Color Health); PubMed 31409081 (cited by Color Diagnostics, LLC DBA Color Health); PubMed 36537080 (cited by Color Diagnostics, LLC DBA Color Health); PubMed 32295079 (cited by CZECANCA consortium).

NM_007294.4(BRCA1):c.5177_5178del (p.Arg1726fs)

Gene: BRCA1 (BRCA1 DNA repair associated; minus strand). Cytogenetic location: 17q21.31.
Variant type: Deletion.
Coding change: c.5177_5178del on transcript NM_007294.4 (MANE Select); coding-DNA positions 5177 to 5178, 2 bases deleted (GA; older notation c.5177_5178delGA).
Protein change: p.Arg1726fs; shifts the reading frame from arginine 1726.
Molecular consequence: frameshift variant. On other transcripts: non-coding transcript variant (1).
Genome position (GRCh38, 1-based): chr17:43,063,348-43,063,349, TC deleted on the plus strand (GA on the coding strand, the reverse complement: BRCA1 is on the minus strand); deleting any 2 consecutive bases within chr17:43,063,348-43,063,350 gives the same sequence; the c. name uses the placement nearest the transcript's 3' end. VCF-style (leftmost placement, unchanged base first): chr17-43063347-TTC-T. GRCh37 (hg19) VCF-style: chr17-41215364-TTC-T.
Other names: 5296delGA; c.5177_5178delGA (NM_007294.3); c.5050_5051delAG, p.Arg1684Lysfs (NM_001407676.1, NM_001407677.1, NM_001407678.1 and 10 more transcripts); c.5047_5048delAG, p.Arg1683Lysfs (NM_001407681.1, NM_001407682.1, NM_001407683.1 and 6 more transcripts); c.5176_5177delAG, p.Arg1726Lysfs (NM_001407684.1, NM_001407854.1, NM_001407593.1 and 7 more transcripts); c.5044_5045delAG, p.Arg1682Lysfs (NM_001407690.1, NM_001407691.1); c.5035_5036delAG, p.Arg1679Lysfs (NM_001407692.1, NM_001407694.1, NM_001407695.1 and 12 more transcripts); c.5032_5033delAG, p.Arg1678Lysfs (NM_001407732.1, NM_001407733.1, NM_001407734.1 and 21 more transcripts); and 77 more; short protein forms R1679fs, R1747fs, R622fs, R1726fs.
Identifiers: ClinVar variation 55444 (VCV000055444.9), dbSNP rs80357730, ClinGen allele CA003322.